The following is an entry in ClinVar:

ClinVar aggregate classification (germline): Uncertain significance (1 of 4 stars; one submission).

gnomAD v4.1: 2 of 1,608,938 alleles (0.00012%); highest among the groups gnomAD compares: Non-Finnish European, 0.00017%; no homozygotes.

Submission:

GeneDx
Classification: Uncertain significance. Last evaluated: 2024-10-24. Review status: criteria provided, single submitter. Criteria: GeneDx Variant Classification Process June 2021. Collection method: clinical testing. Allele origin: germline. Affected: yes.
Comment: Not observed at significant frequency in large population cohorts (gnomAD); In silico analysis indicates that this missense variant does not alter protein structure/function; Has not been previously published as pathogenic or benign to our knowledge

NM_000875.5(IGF1R):c.32C>T (p.Thr11Ile)

Genes: IGF1R (insulin like growth factor 1 receptor; plus strand), IRAIN (IGF1R antisense imprinted non-protein coding RNA; minus strand). Cytogenetic location: 15q26.3.
Variant type: single nucleotide variant.
Coding change: c.32C>T on transcript NM_000875.5 (MANE Select); coding-DNA position 32, C replaced by T.
Protein change: p.Thr11Ile; replaces threonine 11 with isoleucine.
Molecular consequence: missense variant. On other transcripts: non-coding transcript variant (1).
Genome position (GRCh38, 1-based): chr15:98,649,613, C>T. VCF-style: chr15-98649613-C-T. GRCh37 (hg19) VCF-style: chr15-99192842-C-T.
Other names: c.32C>T, p.Thr11Ile (NM_001291858.2); short protein forms T11I.
Identifiers: ClinVar variation 3893418 (VCV003893418.1).